The following is an entry in ClinVar:

NM_006506.5(RASA2):c.1020+4T>C

Gene: RASA2 (RAS p21 protein activator 2; plus strand). Cytogenetic location: 3q23.
Variant type: single nucleotide variant.
Coding change: c.1020+4T>C on transcript NM_006506.5 (MANE Select); 4 bases into the intron after coding-DNA position 1020, T replaced by C.
Molecular consequence: intron variant.
Genome position (GRCh38, 1-based): chr3:141,571,072, T>C. VCF-style: chr3-141571072-T-C. GRCh37 (hg19) VCF-style: chr3-141289914-T-C.
Other names: c.1020+4T>C (NM_001303245.3, NM_001303246.3).
Identifiers: ClinVar variation 2728558 (VCV002728558.3), dbSNP rs374203934, ClinGen allele CA2645381.

ClinVar aggregate classification (germline): Uncertain significance (1 of 4 stars; one submission).

Allele frequency attached by ClinVar (database versions not stated): gnomAD exomes below 0.00001; ExAC 0.00001; gnomAD 0.00003; ESP Exome Variant Server 0.00008; TOPMed 0.00003.
gnomAD v4.1: 5 of 1,593,128 alleles (0.00031%); highest among the groups gnomAD compares: African/African-American, 0.0068%; no homozygotes.

Submission:

Labcorp Genetics (formerly Invitae), Labcorp
Classification: Uncertain significance. Last evaluated: 2025-06-01. Review status: criteria provided, single submitter. Criteria: Invitae Variant Classification Sherloc (09022015). Collection method: clinical testing. Allele origin: germline.
Comment: This sequence change falls in intron 10 of the RASA2 gene. It does not directly change the encoded amino acid sequence of the RASA2 protein. It affects a nucleotide within the consensus splice site. This variant is present in population databases (rs374203934, gnomAD 0.007%). This variant has not been reported in the literature in individuals affected with RASA2-related conditions. ClinVar contains an entry for this variant (Variation ID: 2728558). Variants that disrupt the consensus splice site are a relatively common cause of aberrant splicing (PMID: 17576681, 9536098). Algorithms developed to predict the effect of sequence changes on RNA splicing suggest that this variant is not likely to affect RNA splicing. In summary, the available evidence is currently insufficient to determine the role of this variant in disease. Therefore, it has been classified as a Variant of Uncertain Significance.

Literature cited by the submitters: PubMed 17576681; PubMed 9536098.